The following is an entry in ClinVar:

NM_022081.6(HPS4):c.1642G>A (p.Val548Ile)

Gene: HPS4 (HPS4 biogenesis of lysosomal organelles complex 3 subunit 2; minus strand). Cytogenetic location: 22q12.1.
Variant type: single nucleotide variant.
Coding change: c.1642G>A on transcript NM_022081.6 (MANE Select); coding-DNA position 1642, G replaced by A.
Protein change: p.Val548Ile; replaces valine 548 with isoleucine.
Molecular consequence: missense variant. On other transcripts: non-coding transcript variant (8).
Genome position (GRCh38, 1-based): chr22:26,463,988, C>T on the plus strand (G>A on the coding strand, the complement: HPS4 is on the minus strand). VCF-style: chr22-26463988-C-T. GRCh37 (hg19) VCF-style: chr22-26859954-C-T.
Other names: c.1642G>A, p.Val548Ile (NM_001349896.1, NM_001349898.2, NM_001349899.2 and 4 more transcripts); c.1696G>A, p.Val566Ile (NM_001349900.2, NM_001349901.1); c.1627G>A, p.Val543Ile (NM_152841.2); c.1642G>A (NM_022081.4); short protein forms V543I, V566I, V548I.
Identifiers: ClinVar variation 1432691 (VCV001432691.5), dbSNP rs182592572, ClinGen allele CA10163272.

ClinVar aggregate classification (germline): Uncertain significance. Review status: criteria provided, multiple submitters, no conflicts (2 of 4 stars). 2 submissions from 2 submitters: Uncertain significance (2). Last evaluated 2024-10-16.

Conditions:
Inborn genetic diseases. Identifiers: MedGen C0950123, MeSH D030342.

Allele frequency attached by ClinVar (database versions not stated): gnomAD 0.00003 and 0.00009; TOPMed 0.00004; ExAC 0.00009; gnomAD exomes 0.00009; 1000 Genomes Project 30x 0.00016; 1000 Genomes Project 0.00020.
gnomAD v4.1: 291 of 1,614,240 alleles (0.018%); highest among the groups gnomAD compares: East Asian, 0.62%; 2 homozygotes.

Submissions (2):

Labcorp Genetics (formerly Invitae), Labcorp
Classification: Uncertain significance. Last evaluated: 2024-10-16. Review status: criteria provided, single submitter. Criteria: Invitae Variant Classification Sherloc (09022015). Collection method: clinical testing. Allele origin: germline.
Comment: This sequence change replaces valine, which is neutral and non-polar, with isoleucine, which is neutral and non-polar, at codon 548 of the HPS4 protein (p.Val548Ile). This variant is present in population databases (rs182592572, gnomAD 0.1%). This variant has not been reported in the literature in individuals affected with HPS4-related conditions. ClinVar contains an entry for this variant (Variation ID: 1432691). An algorithm developed to predict the effect of missense changes on protein structure and function outputs the following: PolyPhen-2: "Benign". The isoleucine amino acid residue is found in multiple mammalian species, which suggests that this missense change does not adversely affect protein function. In summary, the available evidence is currently insufficient to determine the role of this variant in disease. Therefore, it has been classified as a Variant of Uncertain Significance.

Ambry Genetics
Classification: Uncertain significance for Inborn genetic diseases. Last evaluated: 2022-12-19. Review status: criteria provided, single submitter. Criteria: Ambry Variant Classification Scheme 2023. Collection method: clinical testing. Allele origin: germline.